The following is an entry in ClinVar:

NM_002185.5(IL7R):c.37del (p.Ser13fs)

Gene: IL7R (interleukin 7 receptor; plus strand). Cytogenetic location: 5p13.2.
Variant type: Deletion.
Coding change: c.37del on transcript NM_002185.5 (MANE Select); coding-DNA position 37, one base deleted (T; older notation c.37delT).
Protein change: p.Ser13fs; shifts the reading frame from serine 13.
Molecular consequence: frameshift variant. On other transcripts: non-coding transcript variant (1).
Genome position (GRCh38, 1-based): chr5:35,857,014, T deleted; the last of 6 consecutive T bases (chr5:35,857,009-35,857,014); deleting any one gives the same sequence. VCF-style (leftmost placement, unchanged base first): chr5-35857008-GT-G. GRCh37 (hg19) VCF-style: chr5-35857110-GT-G.
Other names: short protein forms S13fs.
Identifiers: ClinVar variation 1453790 (VCV001453790.6), dbSNP rs1759660930, ClinGen allele CA2573139621.

ClinVar aggregate classification (germline): Pathogenic (1 of 4 stars; one submission).

Conditions:
Immunodeficiency 104. Also called: SCID, AUTOSOMAL RECESSIVE, T CELL-NEGATIVE, B CELL-POSITIVE, NK CELL-POSITIVE; IMMUNODEFICIENCY 104, SEVERE COMBINED; Severe Combined Immune Deficiency, Autosomal Recessive, TCell -Negative, B Cell-Positive, NK Cell-Positive, IL7R-Related; Severe combined immunodeficiency, autosomal recessive, T cell-negative, B cell-positive, NK cell-positive. Identifiers: MedGen C5676890, MONDO:0012163, OMIM 608971.

Submission:

Labcorp Genetics (formerly Invitae), Labcorp
Classification: Pathogenic for Immunodeficiency 104. Last evaluated: 2021-02-22. Review status: criteria provided, single submitter. Criteria: Invitae Variant Classification Sherloc (09022015). Collection method: clinical testing. Allele origin: germline.
Comment: For these reasons, this variant has been classified as Pathogenic. This sequence change creates a premature translational stop signal (p.Ser13Leufs*36) in the IL7R gene. It is expected to result in an absent or disrupted protein product. Loss-of-function variants in IL7R are known to be pathogenic (PMID: 21664875, 26123418). This variant is not present in population databases (ExAC no frequency). This variant has not been reported in the literature in individuals with IL7R-related conditions.

Literature cited by the submitters: PubMed 21664875; PubMed 26123418.